The following is an entry in ClinVar:

ClinVar aggregate classification (germline): Uncertain significance (1 of 4 stars; one submission).

Conditions:
Von Hippel-Lindau syndrome (VHLS). Also called: Von Hippel-Lindau; VHL syndrome; von Hippel–Lindau syndrome. Identifiers: Orphanet 892, MedGen C0019562, MONDO:0008667, OMIM 193300. Disease mechanism: loss of function.
Chuvash polycythemia. Also called: POLYCYTHEMIA, VHL-DEPENDENT. Identifiers: Orphanet 238557, MedGen C1837915, MONDO:0009892, OMIM 263400.

Submission:

Labcorp Genetics (formerly Invitae), Labcorp
Classification: Uncertain significance for Von Hippel-Lindau syndrome; Chuvash polycythemia. Last evaluated: 2025-08-20. Review status: criteria provided, single submitter. Criteria: Invitae Variant Classification Sherloc (09022015). Collection method: clinical testing. Allele origin: germline.
Comment: This sequence change falls in intron 1 of the VHL gene. It is not expected to change the encoded amino acid sequence of the VHL protein. However, this sequence change falls within a cryptic exon in the VHL gene, known as exon E1’, which is naturally expressed at low levels in several human tissues (PMID: 29891534). This variant is not present in population databases (gnomAD no frequency). This variant has not been reported in the literature in individuals affected with VHL-related conditions. ClinVar contains an entry for this variant (Variation ID: 1347141). Experimental studies and prediction algorithms are not available or were not evaluated, and the functional significance of this variant is currently unknown. Algorithms developed to predict the effect of sequence changes on RNA splicing suggest that this variant is not likely to affect RNA splicing. In summary, the available evidence is currently insufficient to determine the role of this variant in disease. Therefore, it has been classified as a Variant of Uncertain Significance.

Literature cited by the submitters: PubMed 29891534.

NM_000551.4(VHL):c.340+613dup

Genes: VHL (von Hippel-Lindau tumor suppressor; plus strand), LOC107303340 (3p25 von Hippel-Lindau tumor suppressor, E3 ubiquitin protein ligase Alu-mediated recombination region; plus strand). Cytogenetic location: 3p25.3.
Variant type: Duplication.
Coding change: c.340+613dup on transcript NM_000551.4 (MANE Select); 613 bases into the intron after coding-DNA position 340, one base duplicated (T; older notation c.340+613dupT).
Molecular consequence: intron variant. On other transcripts: frameshift variant (1).
Genome position (GRCh38, 1-based): chr3:10,142,800, T duplicated. VCF-style (leftmost placement, unchanged base first): chr3-10142799-C-CT. GRCh37 (hg19) VCF-style: chr3-10184483-C-CT.
Other names: c.378dup, p.Ala127fs (NM_001354723.2); c.340+613dup (NM_198156.3); short protein forms A127fs.
Identifiers: ClinVar variation 1347141 (VCV001347141.5), dbSNP rs2125125871, ClinGen allele CA2573136096.